The following is an entry in ClinVar:

NM_000070.3(CAPN3):c.945+15G>A

Gene: CAPN3 (calpain 3; plus strand). Cytogenetic location: 15q15.1.
Variant type: single nucleotide variant.
Coding change: c.945+15G>A on transcript NM_000070.3 (MANE Select); 15 bases into the intron after coding-DNA position 945, G replaced by A.
Molecular consequence: intron variant.
Genome position (GRCh38, 1-based): chr15:42,390,111, G>A. VCF-style: chr15-42390111-G-A. GRCh37 (hg19) VCF-style: chr15-42682309-G-A.
Other names: c.945+15G>A (NM_024344.2); c.801+1015G>A (NM_173087.2).
Identifiers: ClinVar variation 508429 (VCV000508429.10), dbSNP rs567256305, ClinGen allele CA7511177.

ClinVar aggregate classification (germline): Conflicting classifications of pathogenicity. Review status: criteria provided, conflicting classifications (1 of 4 stars). 4 submissions from 4 submitters: Uncertain significance (1); Likely benign (3). Last evaluated 2026-01-19.

Conditions:
Autosomal recessive limb-girdle muscular dystrophy type 2A (LGMDR1). Also called: Limb-girdle muscular dystrophy, type 2A; Muscular dystrophy, limb-girdle, type 2A, Amish; Calpainopathy; LEYDEN-MOEBIUS MUSCULAR DYSTROPHY; MUSCULAR DYSTROPHY, PELVOFEMORAL. Identifiers: Orphanet 267, MedGen C1869123, MONDO:0009675, OMIM 253600. Disease mechanism: loss of function.

Allele frequency attached by ClinVar (database versions not stated): 1000 Genomes Project 30x 0.00016; 1000 Genomes Project 0.00020; gnomAD exomes 0.00021 and 0.00033; TOPMed 0.00022; ExAC 0.00036; gnomAD 0.00010 and 0.00014.
gnomAD v4.1: 325 of 1,613,952 alleles (0.02%); highest among the groups gnomAD compares: Middle Eastern, 0.17%; 2 homozygotes.

Submissions (4):

Labcorp Genetics (formerly Invitae), Labcorp
Classification: Likely benign for Autosomal recessive limb-girdle muscular dystrophy type 2A. Last evaluated: 2026-01-19. Review status: criteria provided, single submitter. Criteria: Invitae Variant Classification Sherloc (09022015). Collection method: clinical testing. Allele origin: germline.

Blueprint Genetics
Classification: Likely benign. Last evaluated: 2024-11-27. Review status: criteria provided, single submitter. Criteria: ACMG Guidelines, 2015. Collection method: clinical testing. Allele origin: germline.

Illumina Laboratory Services, Illumina
Classification: Uncertain significance for Limb-girdle muscular dystrophy, type 2A. Last evaluated: 2018-01-13. Review status: criteria provided, single submitter. Criteria: ICSL Variant Classification Criteria 13 December 2019. Collection method: clinical testing. Allele origin: germline.

GeneDx
Classification: Likely benign. Last evaluated: 2017-03-30. Review status: criteria provided, single submitter. Criteria: GeneDx Variant Classification (06012015). Collection method: clinical testing. Allele origin: germline. Affected: yes.
Comment: This variant is considered likely benign or benign based on one or more of the following criteria: it is a conservative change, it occurs at a poorly conserved position in the protein, it is predicted to be benign by multiple in silico algorithms, and/or has population frequency not consistent with disease.